The following is an entry in ClinVar:

NM_000245.4(MET):c.1364T>C (p.Leu455Pro)

Gene: MET (MET proto-oncogene, receptor tyrosine kinase; plus strand). Cytogenetic location: 7q31.2.
Variant type: single nucleotide variant.
Coding change: c.1364T>C on transcript NM_000245.4 (MANE Select); coding-DNA position 1364, T replaced by C.
Protein change: p.Leu455Pro; replaces leucine 455 with proline.
Molecular consequence: missense variant.
Genome position (GRCh38, 1-based): chr7:116,731,831, T>C. VCF-style: chr7-116731831-T-C. GRCh37 (hg19) VCF-style: chr7-116371885-T-C.
Other names: c.1364T>C, p.Leu455Pro (NM_001127500.3, NM_001324401.3); c.74T>C, p.Leu25Pro (NM_001324402.2); short protein forms L25P, L455P.
Identifiers: ClinVar variation 2857281 (VCV002857281.4), dbSNP rs2116783728, ClinGen allele CA368973057.
Genomic context (GRCh38, chr7:116,731,831, plus strand): 5'-GCGAAGTCCTCTTAACATCTATATCCACCTTCATTAAAGGAGACCTCACCATAGCTAATC[T>C]TGGGACATCAGAGGGTCGCTTCATGCAGGTAAGTGCTTTCTGAGAGTAGCTGTGTCTGTT-3'
Protein context (NP_000236.2, residues 445-465): FIKGDLTIAN[Leu455Pro]GTSEGRFMQV

ClinVar aggregate classification (germline): Uncertain significance. Review status: criteria provided, multiple submitters, no conflicts (2 of 4 stars). 2 submissions from 2 submitters: Uncertain significance (2). Last evaluated 2026-06-29.

Conditions:
Hereditary cancer-predisposing syndrome. Also called: Hereditary Cancer Syndrome; Hereditary neoplastic syndrome; Neoplastic Syndromes, Hereditary; Tumor predisposition. Identifiers: Orphanet 140162, MedGen C0027672, MeSH D009386, MONDO:0015356.
Renal cell carcinoma. Identifiers: Orphanet 217071, MedGen C0007134, MeSH D002292, MONDO:0005086, HP:0005584.

Submissions (2):

Ambry Genetics
Classification: Uncertain significance for Hereditary cancer-predisposing syndrome. Last evaluated: 2026-06-29. Review status: criteria provided, single submitter. Criteria: Ambry Variant Classification Scheme 2023. Collection method: clinical testing. Allele origin: germline.
Comment: The p.L455P variant (also known as c.1364T>C), located in coding exon 2 of the MET gene, results from a T to C substitution at nucleotide position 1364. The leucine at codon 455 is replaced by proline, an amino acid with similar properties. This amino acid position is highly conserved in available vertebrate species. In addition, the in silico prediction for this alteration is inconclusive. Based on the available evidence, the clinical significance of this variant remains unclear.

Labcorp Genetics (formerly Invitae), Labcorp
Classification: Uncertain significance for Renal cell carcinoma. Last evaluated: 2023-04-11. Review status: criteria provided, single submitter. Criteria: Invitae Variant Classification Sherloc (09022015). Collection method: clinical testing. Allele origin: germline.
Comment: This variant has not been reported in the literature in individuals affected with MET-related conditions. This variant is not present in population databases (gnomAD no frequency). This sequence change replaces leucine, which is neutral and non-polar, with proline, which is neutral and non-polar, at codon 455 of the MET protein (p.Leu455Pro). Advanced modeling of protein sequence and biophysical properties (such as structural, functional, and spatial information, amino acid conservation, physicochemical variation, residue mobility, and thermodynamic stability) performed at Invitae indicates that this missense variant is expected to disrupt MET protein function. In summary, the available evidence is currently insufficient to determine the role of this variant in disease. Therefore, it has been classified as a Variant of Uncertain Significance.